The following is an entry in ClinVar:

NM_001102416.3(KNG1):c.586C>T (p.Arg196Ter)

Gene: KNG1 (kininogen 1; plus strand). Cytogenetic location: 3q27.3.
Variant type: single nucleotide variant.
Coding change: c.586C>T on transcript NM_001102416.3 (MANE Select); coding-DNA position 586, C replaced by T.
Protein change: p.Arg196Ter; replaces arginine 196 with a stop codon.
Molecular consequence: nonsense. On other transcripts: intron variant (1).
Genome position (GRCh38, 1-based): chr3:186,727,258, C>T. VCF-style: chr3-186727258-C-T. GRCh37 (hg19) VCF-style: chr3-186445047-C-T.
Other names: c.586C>T, p.Arg196Ter (LRG_598t2, LRG_598t1, NM_000893.4); c.564+1998C>T (NM_001166451.2); short protein forms R196*.
Identifiers: ClinVar variation 572 (VCV000000572.1), dbSNP rs121918131, ClinGen allele CA114357.
Genomic context (GRCh38, chr3:186,727,258, plus strand): 5'-TAAACTGCCCTTTAAATATTCAATCTGAAATTGTTTCAGGTGGTGGCTGGATTGAACTTT[C>T]GAATTACCTACTCAATTGTGCAAACGAATTGTTCCAAAGAGAATTTTCTGTTCTTAACTC-3'

ClinVar aggregate classification (germline): Pathogenic. Review status: criteria provided, single submitter (1 of 4 stars). 2 submissions from 2 submitters: Pathogenic (1). 1 of the submissions does not count toward it. Last evaluated 2023-09-04.

Conditions:
High molecular weight kininogen deficiency. Also called: Congenital high-molecular-weight kininogen deficiency; Reduced kininogen activity; FITZGERALD TRAIT; HMWK DEFICIENCY. Identifiers: Orphanet 483, MedGen C0272340, MONDO:0009234, OMIM 228960, HP:0005527.
KININOGEN DEFICIENCY, TOTAL. Identifiers: MedGen C1856719, OMIM 228960.

Allele frequency attached by ClinVar (database versions not stated): gnomAD 0.00001; ExAC 0.00002; TOPMed 0.00002.
gnomAD v4.1: 20 of 1,612,898 alleles (0.0012%); highest among the groups gnomAD compares: Middle Eastern, 0.016%; no homozygotes.

Submissions (2):

Institute for Clinical Chemistry and Laboratory Medicine, University Medical Center Mainz
Classification: Pathogenic for High molecular weight kininogen deficiency. Last evaluated: 2023-09-04. Review status: criteria provided, single submitter. Criteria: ACMG Guidelines, 2015. Collection method: clinical testing. Allele origin: germline. Inheritance: Autosomal recessive inheritance. Affected: yes. Observed: 1 homozygote.
Comment: Large deletions were excluded via ddPCR. The case was originally described by Nazir et al (DOI: 10.15406/htij.2019.07.00197). The c.586C>T variant is the first and most frequently reported HK deficiency-causing variant in the literature. It has been described in three unrelated homozygous literature cases: it was first identified by Cheung et al. (PMID: 7901207) and also described by Ishimaru et al. (PMID. 10071463) and Nakamura et al. (PMID: 3853954). All three literature cases have barely measurable HK levels (<1% HK activity and antigen) and also very low to barely detectable levels of low-molecular-weight kininogen (LK), thus this variant results in combined HK and LK deficiency. The MAF of this variant is 0.001-0.007% (dbSNP). Therefore, we classified this variant as pathogenic.

OMIM
Classification: Pathogenic for KININOGEN DEFICIENCY, TOTAL. Last evaluated: 1993-11-05. Review status: no assertion criteria provided. Collection method: literature only. Allele origin: germline. Not counted in ClinVar's aggregate classification.

Literature cited by the submitters: PubMed 36700498 (cited by Institute for Clinical Chemistry and Laboratory Medicine, University Medical Center Mainz); PubMed 1202089 (cited by OMIM); PubMed 7901207 (cited by OMIM); Kunapuli, S. P. Personal Communication. 1993. Philadelphia, Pa. (cited by OMIM).